The following is an entry in ClinVar:

NM_001845.6(COL4A1):c.1021G>C (p.Gly341Arg)

Gene: COL4A1 (collagen type IV alpha 1 chain; minus strand). Cytogenetic location: 13q34.
Variant type: single nucleotide variant.
Coding change: c.1021G>C on transcript NM_001845.6 (MANE Select); coding-DNA position 1021, G replaced by C.
Protein change: p.Gly341Arg; replaces glycine 341 with arginine.
Molecular consequence: missense variant.
Genome position (GRCh38, 1-based): chr13:110,201,501, C>G on the plus strand (G>C on the coding strand, the complement: COL4A1 is on the minus strand). VCF-style: chr13-110201501-C-G. GRCh37 (hg19) VCF-style: chr13-110853848-C-G.
Other names: c.1021G>C (NM_001845.4); c.1021G>C, p.Gly341Arg (NM_001303110.2); short protein forms G341R.
Identifiers: ClinVar variation 1943708 (VCV001943708.7), dbSNP rs1404271039, ClinGen allele CA388724447.

ClinVar aggregate classification (germline): Conflicting classifications of pathogenicity. Review status: criteria provided, conflicting classifications (1 of 4 stars). 3 submissions from 3 submitters: Likely pathogenic (2); Uncertain significance (1). Last evaluated 2025-12-15.

Conditions:
Inborn genetic diseases. Identifiers: MedGen C0950123, MeSH D030342.
Brain small vessel disease 1 with or without ocular anomalies (BSVD1). Also called: GOULD SYNDROME 1; PORENCEPHALY, TYPE 1, AUTOSOMAL DOMINANT; BRAIN SMALL VESSEL DISEASE WITH HEMORRHAGE; Brain small vessel disease with or without ocular anomalies. Identifiers: Orphanet 2940, Orphanet 36383, Orphanet 99810, MedGen C4755307, MONDO:0008289, OMIM 175780.

Allele frequency attached by ClinVar (database versions not stated): TOPMed below 0.00001.

Submissions (3):

Women's Health and Genetics/Laboratory Corporation of America, LabCorp
Classification: Likely pathogenic for Brain small vessel disease 1 with or without ocular anomalies. Last evaluated: 2025-12-15. Review status: criteria provided, single submitter. Criteria: LabCorp Variant Classification Summary - May 2015. Collection method: clinical testing. Allele origin: germline.
Comment: Variant summary: COL4A1 c.1021G>C (p.Gly341Arg) results in a non-conservative amino acid change in the encoded protein sequence. This variant disrupts the triple helix domain of COL4A1. Glycine residues within the Gly-Xaa-Yaa repeats of the triple helix domain are required for the structure and stability of fibrillar collagens (PMID: 7695699, 8218237, 19344236). Algorithms developed to predict the effect of missense changes on protein structure and function all suggest that this variant is likely to be disruptive. The variant was absent in 251490 control chromosomes. To our knowledge, no occurrence of c.1021G>C in individuals affected with COL4A1-related conditions and no experimental evidence demonstrating its impact on protein function have been reported. ClinVar contains an entry for this variant (Variation ID: 1943708). Based on the evidence outlined above, the variant was classified as likely pathogenic.

Ambry Genetics
Classification: Uncertain significance for Inborn genetic diseases. Last evaluated: 2025-06-17. Review status: criteria provided, single submitter. Criteria: Ambry Variant Classification Scheme 2023. Collection method: clinical testing. Allele origin: germline.

Labcorp Genetics (formerly Invitae), Labcorp
Classification: Likely pathogenic. Last evaluated: 2025-05-09. Review status: criteria provided, single submitter. Criteria: Invitae Variant Classification Sherloc (09022015). Collection method: clinical testing. Allele origin: germline.
Comment: This sequence change replaces glycine, which is neutral and non-polar, with arginine, which is basic and polar, at codon 341 of the COL4A1 protein (p.Gly341Arg). This variant is not present in population databases (gnomAD no frequency). This variant has not been reported in the literature in individuals affected with COL4A1-related conditions. ClinVar contains an entry for this variant (Variation ID: 1943708). Invitae Evidence Modeling of protein sequence and biophysical properties (such as structural, functional, and spatial information, amino acid conservation, physicochemical variation, residue mobility, and thermodynamic stability) has been performed for this missense variant. However, the output from this modeling did not meet the statistical confidence thresholds required to predict the impact of this variant on COL4A1 protein function. This variant disrupts the triple helix domain of COL4A1. Glycine residues within the Gly-Xaa-Yaa repeats of the triple helix domain are required for the structure and stability of fibrillar collagens (PMID: 7695699, 8218237, 19344236). In COL4A1 variants affecting these glycine residues are significantly enriched in individuals with disease (PMID: 9016532, 17078022) compared to the general population (ExAC). In summary, the currently available evidence indicates that the variant is pathogenic, but additional data are needed to prove that conclusively. Therefore, this variant has been classified as Likely Pathogenic.

Literature cited by the submitters: PubMed 7695699 (cited by Labcorp Genetics (formerly Invitae), Labcorp); PubMed 8218237 (cited by Labcorp Genetics (formerly Invitae), Labcorp); PubMed 19344236 (cited by Labcorp Genetics (formerly Invitae), Labcorp); PubMed 9016532 (cited by Labcorp Genetics (formerly Invitae), Labcorp); PubMed 17078022 (cited by Labcorp Genetics (formerly Invitae), Labcorp).